The following is an entry in ClinVar:

NM_001267550.2(TTN):c.91901G>A (p.Gly30634Glu)

Genes: TTN (titin; minus strand), TTN-AS1 (TTN antisense RNA 1; plus strand). Cytogenetic location: 2q31.2.
Variant type: single nucleotide variant.
Coding change: c.91901G>A on transcript NM_001267550.2 (MANE Select); coding-DNA position 91901, G replaced by A.
Protein change: p.Gly30634Glu; replaces glycine 30634 with glutamic acid.
Molecular consequence: missense variant.
Genome position (GRCh38, 1-based): chr2:178,549,821, C>T on the plus strand (G>A on the coding strand, the complement: TTN is on the minus strand). VCF-style: chr2-178549821-C-T. GRCh37 (hg19) VCF-style: chr2-179414548-C-T.
Other names: c.86978G>A, p.Gly28993Glu (NM_001256850.1); c.64706G>A, p.Gly21569Glu (NM_003319.4); c.84197G>A, p.Gly28066Glu (NM_133378.4); c.65081G>A, p.Gly21694Glu (NM_133432.3); c.65282G>A, p.Gly21761Glu (NM_133437.4); short protein forms G28993E, G30634E, G21569E, G21694E, G21761E, G28066E.
Identifiers: ClinVar variation 515860 (VCV000515860.2), dbSNP rs376628842, ClinGen allele CA1987534.

ClinVar aggregate classification (germline): Likely benign. Review status: criteria provided, multiple submitters, no conflicts (2 of 4 stars). 2 submissions from 2 submitters: Likely benign (2). Last evaluated 2023-02-02.

Allele frequency attached by ClinVar (database versions not stated): ExAC 0.00001; gnomAD 0.00001; gnomAD exomes 0.00001 and 0.00004; TOPMed 0.00001; ESP Exome Variant Server 0.00008.
gnomAD v4.1: 55 of 1,599,904 alleles (0.0034%); highest among the groups gnomAD compares: Non-Finnish European, 0.0046%; no homozygotes.

Submissions (2):

Blueprint Genetics
Classification: Likely benign. Last evaluated: 2023-02-02. Review status: criteria provided, single submitter. Criteria: ACMG Guidelines, 2015. Collection method: clinical testing. Allele origin: germline.

GeneDx
Classification: Likely benign. Last evaluated: 2018-02-26. Review status: criteria provided, single submitter. Criteria: GeneDx Variant Classification (06012015). Collection method: clinical testing. Allele origin: germline. Affected: yes.
Comment: This variant is considered likely benign or benign based on one or more of the following criteria: it is a conservative change, it occurs at a poorly conserved position in the protein, it is predicted to be benign by multiple in silico algorithms, and/or has population frequency not consistent with disease.